The following is an entry in ClinVar:

ClinVar aggregate classification (germline): Uncertain significance (1 of 4 stars; one submission).

Submission:

GeneDx
Classification: Uncertain significance. Last evaluated: 2024-11-12. Review status: criteria provided, single submitter. Criteria: GeneDx Variant Classification Process June 2021. Collection method: clinical testing. Allele origin: germline. Affected: yes.
Comment: Not observed at significant frequency in large population cohorts (gnomAD); In silico analysis indicates that this missense variant does not alter protein structure/function; Has not been previously published as pathogenic or benign to our knowledge

NM_030632.3(ASXL3):c.2674A>G (p.Asn892Asp)

Gene: ASXL3 (ASXL transcriptional regulator 3; plus strand). Cytogenetic location: 18q12.1.
Variant type: single nucleotide variant.
Coding change: c.2674A>G on transcript NM_030632.3 (MANE Select); coding-DNA position 2674, A replaced by G.
Protein change: p.Asn892Asp; replaces asparagine 892 with aspartic acid.
Molecular consequence: missense variant.
Genome position (GRCh38, 1-based): chr18:33,740,078, A>G. VCF-style: chr18-33740078-A-G. GRCh37 (hg19) VCF-style: chr18-31320042-A-G.
Other names: short protein forms N892D.
Identifiers: ClinVar variation 3899601 (VCV003899601.1).